The following is an entry in ClinVar:

ClinVar aggregate classification (germline): Pathogenic/Likely pathogenic. Review status: criteria provided, multiple submitters, no conflicts (2 of 4 stars). 2 submissions from 2 submitters: Pathogenic (1); Likely pathogenic (1). Last evaluated 2024-09-12.

Conditions:
Deficiency of alpha-mannosidase (MANSA). Also called: LYSOSOMAL ALPHA-D-MANNOSIDASE DEFICIENCY; Mannosidosis, alpha-, types I and II; Alpha-Mannosidosis. Identifiers: Orphanet 61, MedGen C0024748, MONDO:0009561, OMIM 248500.

Submissions (2):

Natera, Inc.
Classification: Likely pathogenic for Alpha-mannosidosis. Last evaluated: 2024-09-12. Review status: criteria provided, single submitter. Criteria: Natera Variant Classification Schema (03/2026). Collection method: clinical testing. Allele origin: germline.
Comment: The c.131del variant in MAN2B1 is a frameshift variant predicted to shift the reading frame beginning at codon 44 and leads to a stop codon 20 codons downstream. This variant is expected to result in nonsense mediated decay, truncation, or a dysfunctional protein product. This variant is rare in the general population with a frequency below the threshold expected for the associated phenotype(s). Given the available evidence, this variant is classified as Likely Pathogenic.

Labcorp Genetics (formerly Invitae), Labcorp
Classification: Pathogenic for Deficiency of alpha-mannosidase. Last evaluated: 2023-02-02. Review status: criteria provided, single submitter. Criteria: Invitae Variant Classification Sherloc (09022015). Collection method: clinical testing. Allele origin: germline.
Comment: This sequence change creates a premature translational stop signal (p.Ala44Valfs*20) in the MAN2B1 gene. It is expected to result in an absent or disrupted protein product. Loss-of-function variants in MAN2B1 are known to be pathogenic (PMID: 9915946, 22161967). This variant is not present in population databases (gnomAD no frequency). This variant has not been reported in the literature in individuals affected with MAN2B1-related conditions. For these reasons, this variant has been classified as Pathogenic.

Literature cited by the submitters: PubMed 9915946 (cited by Labcorp Genetics (formerly Invitae), Labcorp); PubMed 22161967 (cited by Labcorp Genetics (formerly Invitae), Labcorp).

NM_000528.4(MAN2B1):c.131del (p.Ala44fs)

Gene: MAN2B1 (mannosidase alpha class 2B member 1; minus strand). Cytogenetic location: 19p13.13.
Variant type: Deletion.
Coding change: c.131del on transcript NM_000528.4 (MANE Select); coding-DNA position 131, one base deleted (C; older notation c.131delC).
Protein change: p.Ala44fs; shifts the reading frame from alanine 44.
Molecular consequence: frameshift variant.
Genome position (GRCh38, 1-based): chr19:12,666,571, G deleted on the plus strand (C on the coding strand, the reverse complement: MAN2B1 is on the minus strand). VCF-style (leftmost placement, unchanged base first): chr19-12666570-AG-A. GRCh37 (hg19) VCF-style: chr19-12777384-AG-A.
Other names: c.131del (NM_000528.3); c.131del, p.Ala44fs (NM_001173498.2); short protein forms A44fs.
Identifiers: ClinVar variation 2832270 (VCV002832270.4), dbSNP rs2512519985, ClinGen allele CA2739276592.